The following is an entry in ClinVar:

NM_001267550.2(TTN):c.43422A>T (p.Glu14474Asp)

Gene: TTN (titin; minus strand). Cytogenetic location: 2q31.2.
Variant type: single nucleotide variant.
Coding change: c.43422A>T on transcript NM_001267550.2 (MANE Select); coding-DNA position 43422, A replaced by T.
Protein change: p.Glu14474Asp; replaces glutamic acid 14474 with aspartic acid.
Molecular consequence: missense variant.
Genome position (GRCh38, 1-based): chr2:178,632,584, T>A on the plus strand (A>T on the coding strand, the complement: TTN is on the minus strand). VCF-style: chr2-178632584-T-A. GRCh37 (hg19) VCF-style: chr2-179497311-T-A.
Other names: c.38499A>T, p.Glu12833Asp (NM_001256850.1); c.16227A>T, p.Glu5409Asp (NM_003319.4); c.35718A>T, p.Glu11906Asp (NM_133378.4); c.16602A>T, p.Glu5534Asp (NM_133432.3); c.16803A>T, p.Glu5601Asp (NM_133437.4); short protein forms E14474D, E5601D, E11906D, E12833D, E5534D, E5409D.
Identifiers: ClinVar variation 535326 (VCV000535326.4), dbSNP rs998106657, ClinGen allele CA61003434.

ClinVar aggregate classification (germline): Uncertain significance. Review status: criteria provided, multiple submitters, no conflicts (2 of 4 stars). 2 submissions from 2 submitters: Uncertain significance (2). Last evaluated 2019-04-30.

Conditions:
Myopathy, myofibrillar, 9, with early respiratory failure (MFM9). Also called: Myopathy, distal, with early respiratory failure, autosomal dominant; EDSTROM MYOPATHY; Hereditary myopathy with early respiratory failure; MYOPATHY, PROXIMAL, WITH EARLY RESPIRATORY MUSCLE INVOLVEMENT. Identifiers: Orphanet 178464, Orphanet 34521, MedGen C1863599, MONDO:0011362, OMIM 603689.
Dilated cardiomyopathy 1G (CMD1G). Identifiers: Orphanet 154, MedGen C1858763, MONDO:0011400, OMIM 604145.
Autosomal recessive limb-girdle muscular dystrophy type 2J (LGMDR10). Also called: MUSCULAR DYSTROPHY, LIMB-GIRDLE, AUTOSOMAL RECESSIVE 10; Limb-girdle muscular dystrophy, type 2J. Identifiers: Orphanet 140922, MedGen C1837342, MONDO:0012127, OMIM 608807.

Allele frequency attached by ClinVar (database versions not stated): TOPMed 0.00001.
gnomAD v4.1: 1 of 1,613,376 alleles (0.000062%); highest among the groups gnomAD compares: Non-Finnish European, 0.000085%; no homozygotes.

Submissions (2):

Baylor Genetics
Classification: Uncertain significance for Myopathy, myofibrillar, 9, with early respiratory failure. Last evaluated: 2019-04-30. Review status: criteria provided, single submitter. Criteria: ACMG Guidelines, 2015. Collection method: clinical testing. Allele origin: maternal. Affected: yes.
Comment: This variant was determined to be of uncertain significance according to ACMG Guidelines, 2015 [PMID:25741868].

Labcorp Genetics (formerly Invitae), Labcorp
Classification: Uncertain significance for Dilated cardiomyopathy 1G; Autosomal recessive limb-girdle muscular dystrophy type 2J. Last evaluated: 2017-12-06. Review status: criteria provided, single submitter. Criteria: Invitae Variant Classification Sherloc (09022015). Collection method: clinical testing. Allele origin: germline.